The following is an entry in ClinVar:

NM_012463.4(ATP6V0A2):c.2176-10TC[2]

Gene: ATP6V0A2 (ATPase H+ transporting V0 subunit a2; plus strand). Cytogenetic location: 12q24.31.
Variant type: Microsatellite.
Coding change: c.2176-10TC[2] on transcript NM_012463.4 (MANE Select); two copies in a row of the 2-base unit TC starting at c.2176-10; the reference has four copies in a row; two copies, 4 bases deleted.
Molecular consequence: intron variant.
Genome position (GRCh38, 1-based): chr12:123,754,414-123,754,417, TCTC deleted; deleting any 4 consecutive bases within chr12:123,754,410-123,754,417 gives the same sequence; the position shown is the placement nearest the transcript's 3' end. VCF-style (leftmost placement, unchanged base first): chr12-123754409-ATCTC-A. GRCh37 (hg19) VCF-style: chr12-124238956-ATCTC-A.
Identifiers: ClinVar variation 813895 (VCV000813895.1), dbSNP rs1593920665, ClinGen allele CA658820765.

ClinVar aggregate classification (germline): Uncertain significance (1 of 4 stars; one submission).

Conditions:
Cutis laxa with osteodystrophy (ARCL2A). Also called: CUTIS LAXA WITH BONE DYSTROPHY; CUTIS LAXA WITH GROWTH AND DEVELOPMENTAL DELAY; CUTIS LAXA WITH JOINT LAXITY AND RETARDED DEVELOPMENT; Autosomal recessive cutis laxa type 2A; Debré-Type Cutis Laxa; CUTIS LAXA WITH CONGENITAL DISORDER OF GLYCOSYLATION. Identifiers: Orphanet 357058, MedGen C0268355, MONDO:0018163, OMIM 219200. Disease mechanism: loss of function.

Submission:

Broad Center for Mendelian Genomics, Broad Institute of MIT and Harvard
Classification: Uncertain significance for Cutis laxa with osteodystrophy. Last evaluated: 2018-12-03. Review status: criteria provided, single submitter. Criteria: ACMG Guidelines, 2015. Collection method: research. Allele origin: germline. Inheritance: Autosomal recessive inheritance. Affected: yes.
Comment: The homozygous p.Gln7LeufsTer7 variant in ATP6V0A2 was identified by our study in two siblings with cutis laxa. The p.Gln7LeufsTer7 variant in ATP6V0A2 has not been previously reported in individuals with cutis laxa and was absent from large population studies. In one transcript with lower expression levels, this variant is predicted to cause a frameshift, which alters the protein's amino acid sequence beginning at position 7 and leads to a premature termination codon 7 amino acids downstream. This alteration is then predicted to lead to a truncated or absent protein. In another transcript with higher expression levels, this variant is located in the 3' splice region of Exon 18. Computational tools do not suggest an impact on splicing. However, this information is not predictive enough to rule out pathogenicity. Loss of function of the ATP6V0A2 gene is a moderately established disease mechanism in autosomal recessive cutis laxa and mutliple splice site and frameshift variants have been reported in association with cutis laxa in Exon 18 and other exons (PMID: 22773132). However, in the absence of RNA/functional studies, this information is not predictive enough to determine pathogenicity. In summary, while there is some suspicion for a pathogenic role, the clinical significance of this variant is uncertain. ACMG/AMP Criteria applied: PM2, PVS1_Supporting (Richards 2015).

Literature cited by the submitters: PubMed 22773132.